The following is an entry in ClinVar:

ClinVar aggregate classification (germline): Likely benign (1 of 4 stars; one submission).

Allele frequency attached by ClinVar (database versions not stated): 1000 Genomes Project 0.00300; 1000 Genomes Project 30x 0.00344; TOPMed 0.00702; gnomAD 0.00790 and 0.00800; gnomAD exomes 0.01074.
gnomAD v4.1: 14,529 of 1,406,740 alleles (1%); highest among the groups gnomAD compares: Non-Finnish European, 1.2%; 97 homozygotes.

Submission:

GeneDx
Classification: Likely benign. Last evaluated: 2018-06-14. Review status: criteria provided, single submitter. Criteria: GeneDx Variant Classification (06012015). Collection method: clinical testing. Allele origin: germline. Affected: yes.
Comment: This variant is considered likely benign or benign based on one or more of the following criteria: it is a conservative change, it occurs at a poorly conserved position in the protein, it is predicted to be benign by multiple in silico algorithms, and/or has population frequency not consistent with disease.

NM_001130438.3(SPTAN1):c.1085+113A>G

Gene: SPTAN1 (spectrin alpha, non-erythrocytic 1; plus strand). Cytogenetic location: 9q34.11.
Variant type: single nucleotide variant.
Coding change: c.1085+113A>G on transcript NM_001130438.3 (MANE Select); 113 bases into the intron after coding-DNA position 1085, A replaced by G.
Molecular consequence: intron variant.
Genome position (GRCh38, 1-based): chr9:128,577,619, A>G. VCF-style: chr9-128577619-A-G. GRCh37 (hg19) VCF-style: chr9-131339898-A-G.
Other names: c.1085+113A>G (NM_001363759.2, NM_003127.4, NM_001363765.2 and 1 more transcripts).
Identifiers: ClinVar variation 675201 (VCV000675201.1), dbSNP rs945829, ClinGen allele CA200375293.